The following is an entry in ClinVar:

NM_001903.5(CTNNA1):c.762C>T (p.Gly254=)

Gene: CTNNA1 (catenin alpha 1; plus strand). Cytogenetic location: 5q31.2.
Variant type: single nucleotide variant.
Coding change: c.762C>T on transcript NM_001903.5 (MANE Select); coding-DNA position 762, C replaced by T.
Protein change: p.Gly254=; no amino-acid change (glycine 254 retained).
Molecular consequence: synonymous variant.
Genome position (GRCh38, 1-based): chr5:138,824,703, C>T. VCF-style: chr5-138824703-C-T. GRCh37 (hg19) VCF-style: chr5-138160392-C-T.
Other names: c.762C>T, p.Gly254= (NM_001290307.3, NM_001323982.2, NM_001323983.1 and 3 more transcripts); c.453C>T, p.Gly151= (NM_001290309.3); c.393C>T, p.Gly131= (NM_001290310.3).
Identifiers: ClinVar variation 2072457 (VCV002072457.4), dbSNP rs1059026, ClinGen allele CA446594954.

ClinVar aggregate classification (germline): Uncertain significance (1 of 4 stars; one submission).

Allele frequency attached by ClinVar (database versions not stated): gnomAD exomes below 0.00001.
gnomAD v4.1: 4 of 1,614,226 alleles (0.00025%); highest among the groups gnomAD compares: Non-Finnish European, 0.00034%; no homozygotes.

Submission:

Labcorp Genetics (formerly Invitae), Labcorp
Classification: Uncertain significance. Last evaluated: 2024-10-15. Review status: criteria provided, single submitter. Criteria: Invitae Variant Classification Sherloc (09022015). Collection method: clinical testing. Allele origin: germline.
Comment: This sequence change affects codon 254 of the CTNNA1 mRNA. It is a 'silent' change, meaning that it does not change the encoded amino acid sequence of the CTNNA1 protein. This variant is present in population databases (no rsID available, gnomAD 0.0009%). This variant has not been reported in the literature in individuals affected with CTNNA1-related conditions. ClinVar contains an entry for this variant (Variation ID: 2072457). Algorithms developed to predict the effect of sequence changes on RNA splicing suggest that this variant may create or strengthen a splice site. In summary, the available evidence is currently insufficient to determine the role of this variant in disease. Therefore, it has been classified as a Variant of Uncertain Significance.